The following is an entry in ClinVar:

ClinVar aggregate classification (germline): Likely benign (1 of 4 stars; one submission).

Allele frequency attached by ClinVar (database versions not stated): gnomAD 0.01524 and 0.01628; TOPMed 0.02300; 1000 Genomes Project 30x 0.03014; 1000 Genomes Project 0.03035.

Submission:

GeneDx
Classification: Likely benign. Last evaluated: 2018-06-14. Review status: criteria provided, single submitter. Criteria: GeneDx Variant Classification (06012015). Collection method: clinical testing. Allele origin: germline. Affected: yes.
Comment: This variant is considered likely benign or benign based on one or more of the following criteria: it is a conservative change, it occurs at a poorly conserved position in the protein, it is predicted to be benign by multiple in silico algorithms, and/or has population frequency not consistent with disease.

NM_024120.5(NDUFAF5):c.520-160_520-157del

Gene: NDUFAF5 (NADH:ubiquinone oxidoreductase complex assembly factor 5; plus strand). Cytogenetic location: 20p12.1.
Variant type: Deletion.
Coding change: c.520-160_520-157del on transcript NM_024120.5 (MANE Select); 160 bases into the intron before coding-DNA position 520 through 157 bases into the intron before coding-DNA position 520, 4 bases deleted (AGTT; older notation c.520-160_520-157delAGTT).
Molecular consequence: intron variant.
Genome position (GRCh38, 1-based): chr20:13,801,326-13,801,329, AGTT deleted. VCF-style (leftmost placement, unchanged base first): chr20-13801325-CAGTT-C. GRCh37 (hg19) VCF-style: chr20-13781971-CAGTT-C.
Other names: c.-42-160_-42-157del (NM_001352407.2, NM_001352406.2); c.436-160_436-157del (NM_001039375.3); c.49-160_49-157del (NM_001352403.2); c.520-160_520-157del (NM_001352408.2).
Identifiers: ClinVar variation 673036 (VCV000673036.1), dbSNP rs151304952, ClinGen allele CA311386697.